The following is an entry in ClinVar:

ClinVar aggregate classification (germline): Conflicting classifications of pathogenicity. Review status: criteria provided, conflicting classifications (1 of 4 stars). 2 submissions from 2 submitters: Likely pathogenic (1); Uncertain significance (1). Last evaluated 2023-06-12.

Conditions:
Charcot-Marie-Tooth disease type 4. Also called: Charcot-Marie-Tooth, Type 4; Charcot-Marie-Tooth disease, type IV. Identifiers: Orphanet 64749, MedGen C4082197, MONDO:0018995.

Allele frequency attached by ClinVar (database versions not stated): gnomAD exomes below 0.00001 and 0.00001; TOPMed below 0.00001; gnomAD 0.00001.
gnomAD v4.1: 19 of 1,588,696 alleles (0.0012%); highest among the groups gnomAD compares: Non-Finnish European, 0.0016%; no homozygotes.

Submissions (2):

Blueprint Genetics
Classification: Uncertain significance. Last evaluated: 2023-06-12. Review status: criteria provided, single submitter. Criteria: ACMG Guidelines, 2015. Collection method: clinical testing. Allele origin: germline.

Labcorp Genetics (formerly Invitae), Labcorp
Classification: Likely pathogenic for Charcot-Marie-Tooth disease type 4. Last evaluated: 2021-12-03. Review status: criteria provided, single submitter. Criteria: Invitae Variant Classification Sherloc (09022015). Collection method: clinical testing. Allele origin: germline.
Comment: This sequence change affects an acceptor splice site in intron 21 of the FIG4 gene. It is expected to disrupt RNA splicing. Variants that disrupt the donor or acceptor splice site typically lead to a loss of protein function (PMID: 16199547), and loss-of-function variants in FIG4 are known to be pathogenic (PMID: 23623387). This variant is not present in population databases (gnomAD no frequency). This variant has not been reported in the literature in individuals affected with FIG4-related conditions. Algorithms developed to predict the effect of sequence changes on RNA splicing suggest that this variant may disrupt the consensus splice site. In summary, the currently available evidence indicates that the variant is pathogenic, but additional data are needed to prove that conclusively. Therefore, this variant has been classified as Likely Pathogenic.

Literature cited by the submitters: PubMed 16199547 (cited by Labcorp Genetics (formerly Invitae), Labcorp); PubMed 23623387 (cited by Labcorp Genetics (formerly Invitae), Labcorp).

NM_014845.6(FIG4):c.2460-2A>G

Gene: FIG4 (FIG4 phosphoinositide 5-phosphatase; plus strand). Cytogenetic location: 6q21.
Variant type: single nucleotide variant.
Coding change: c.2460-2A>G on transcript NM_014845.6 (MANE Select); the canonical splice acceptor site of the intron before coding-DNA position 2460, A replaced by G.
Molecular consequence: splice acceptor variant.
Genome position (GRCh38, 1-based): chr6:109,796,763, A>G. VCF-style: chr6-109796763-A-G. GRCh37 (hg19) VCF-style: chr6-110117966-A-G.
Identifiers: ClinVar variation 1474729 (VCV001474729.9), dbSNP rs1458183004, ClinGen allele CA365219809.